The following is an entry in ClinVar:

ClinVar aggregate classification (germline): Uncertain significance (1 of 4 stars; one submission).

Conditions:
Spastic paraplegia, intellectual disability, nystagmus, and obesity. Also called: Spastic paraplegia, intellectual disability, nystagmus, and obesity;. Identifiers: Orphanet 521390, MedGen C4284592, MONDO:0015007, OMIM 617296.
Ventriculomegaly and arthrogryposis. Identifiers: MedGen C5561973, MONDO:0859184, OMIM 619501.

Submission:

Institute of Immunology and Genetics Kaiserslautern
Classification: Uncertain significance for Spastic paraplegia, intellectual disability, nystagmus, and obesity; Ventriculomegaly and arthrogryposis. Last evaluated: 2024-04-25. Review status: criteria provided, single submitter. Criteria: ACMG Guidelines, 2015. Collection method: clinical testing. Allele origin: germline. Affected: yes.
Comment: ACMG Criteria: PVS1_M, PM2; Variant was found in heterozygous state

NM_020738.4(KIDINS220):c.4053+1G>A

Gene: KIDINS220 (kinase D interacting substrate 220; minus strand). Cytogenetic location: 2p25.1.
Variant type: single nucleotide variant.
Coding change: c.4053+1G>A on transcript NM_020738.4 (MANE Select); the canonical splice donor site of the intron after coding-DNA position 4053, G replaced by A.
Molecular consequence: splice donor variant.
Genome position (GRCh38, 1-based): chr2:8,733,443, C>T on the plus strand (G>A on the coding strand, the complement: KIDINS220 is on the minus strand). VCF-style: chr2-8733443-C-T. GRCh37 (hg19) VCF-style: chr2-8873573-C-T.
Other names: c.3882+1G>A (NM_001348741.2, NM_001348742.2, NM_001348743.2 and 1 more transcripts); c.3996+1G>A (NM_001348738.2, NM_001348732.2); c.3885+1G>A (NM_001348739.2, NM_001348740.2, NM_001348734.2); c.3999+1G>A (NM_001348731.2); c.4056+1G>A (NM_001348729.2); c.3756+1G>A (NM_001348736.2).
Identifiers: ClinVar variation 3235078 (VCV003235078.1), dbSNP rs1664419023, ClinGen allele CA345766642.